The following is an entry in ClinVar:

ClinVar aggregate classification (germline): Uncertain significance (1 of 4 stars; one submission).

Conditions:
Early-onset Parkinson disease 20. Also called: PARKINSON DISEASE 20, AUTOSOMAL RECESSIVE EARLY-ONSET. Identifiers: Orphanet 391411, MedGen C3809824, MONDO:0014233, OMIM 615530.
Developmental and epileptic encephalopathy, 53. Also called: Epileptic encephalopathy, early infantile, 53. Identifiers: MedGen C4479313, MONDO:0033362, OMIM 617389.

Allele frequency attached by ClinVar (database versions not stated): gnomAD exomes below 0.00001; TOPMed below 0.00001.
gnomAD v4.1: 3 of 1,614,006 alleles (0.00019%); highest among the groups gnomAD compares: South Asian, 0.0011%; no homozygotes.

Submission:

Labcorp Genetics (formerly Invitae), Labcorp
Classification: Uncertain significance for Developmental and epileptic encephalopathy, 53; Early-onset Parkinson disease 20. Last evaluated: 2023-03-08. Review status: criteria provided, single submitter. Criteria: Invitae Variant Classification Sherloc (09022015). Collection method: clinical testing. Allele origin: germline.
Comment: In summary, the available evidence is currently insufficient to determine the role of this variant in disease. Therefore, it has been classified as a Variant of Uncertain Significance. Algorithms developed to predict the effect of sequence changes on RNA splicing suggest that this variant may create or strengthen a splice site. Advanced modeling of protein sequence and biophysical properties (such as structural, functional, and spatial information, amino acid conservation, physicochemical variation, residue mobility, and thermodynamic stability) performed at Invitae indicates that this missense variant is not expected to disrupt SYNJ1 protein function. This variant has not been reported in the literature in individuals affected with SYNJ1-related conditions. This variant is present in population databases (no rsID available, gnomAD 0.003%). This sequence change replaces alanine, which is neutral and non-polar, with valine, which is neutral and non-polar, at codon 238 of the SYNJ1 protein (p.Ala238Val).

NM_203446.3(SYNJ1):c.596C>T (p.Ala199Val)

Gene: SYNJ1 (synaptojanin 1; minus strand). Cytogenetic location: 21q22.11.
Variant type: single nucleotide variant.
Coding change: c.596C>T on transcript NM_203446.3 (MANE Select); coding-DNA position 596, C replaced by T.
Protein change: p.Ala199Val; replaces alanine 199 with valine.
Molecular consequence: missense variant.
Genome position (GRCh38, 1-based): chr21:32,695,166, G>A on the plus strand (C>T on the coding strand, the complement: SYNJ1 is on the minus strand). VCF-style: chr21-32695166-G-A. GRCh37 (hg19) VCF-style: chr21-34067476-G-A.
Other names: c.596C>T, p.Ala199Val (NM_001160302.2, NM_001160306.2); c.713C>T, p.Ala238Val (NM_003895.4); short protein forms A238V, A199V.
Identifiers: ClinVar variation 2935104 (VCV002935104.3), dbSNP rs1187078975, ClinGen allele CA410098299.